The following is an entry in ClinVar:

NM_005732.4(RAD50):c.1916A>C (p.Glu639Ala)

Gene: RAD50 (RAD50 double strand break repair protein; plus strand). Cytogenetic location: 5q31.1.
Variant type: single nucleotide variant.
Coding change: c.1916A>C on transcript NM_005732.4 (MANE Select); coding-DNA position 1916, A replaced by C.
Protein change: p.Glu639Ala; replaces glutamic acid 639 with alanine.
Molecular consequence: missense variant.
Genome position (GRCh38, 1-based): chr5:132,594,991, A>C. VCF-style: chr5-132594991-A-C. GRCh37 (hg19) VCF-style: chr5-131930683-A-C.
Other names: short protein forms E639A.
Identifiers: ClinVar variation 2565928 (VCV002565928.2), dbSNP rs2479650066, ClinGen allele CA360948181.
Genomic context (GRCh38, chr5:132,594,991, plus strand): 5'-AAGAGCAGTTGTCCAGTTACGAAGACAAGCTGTTTGATGTTTGTGGTAGCCAGGATTTTG[A>C]AAGTGATTTAGACAGGCTTAAAGAGGAAATTGAAAAATCATCAAAACAGCGAGGTAAGTT-3'
Protein context (NP_005723.2, residues 629-649): LFDVCGSQDF[Glu639Ala]SDLDRLKEEI

ClinVar aggregate classification (germline): Uncertain significance (1 of 4 stars; one submission).

Conditions:
Hereditary cancer-predisposing syndrome. Also called: Neoplastic Syndromes, Hereditary; Hereditary Cancer Syndrome; Hereditary neoplastic syndrome; Tumor predisposition. Identifiers: Orphanet 140162, MedGen C0027672, MeSH D009386, MONDO:0015356.

Submission:

Ambry Genetics
Classification: Uncertain significance for Hereditary cancer-predisposing syndrome. Last evaluated: 2023-03-17. Review status: criteria provided, single submitter. Criteria: Ambry Variant Classification Scheme 2023. Collection method: clinical testing. Allele origin: germline.
Comment: The p.E639A variant (also known as c.1916A>C), located in coding exon 12 of the RAD50 gene, results from an A to C substitution at nucleotide position 1916. The glutamic acid at codon 639 is replaced by alanine, an amino acid with dissimilar properties. This amino acid position is conserved. In addition, this alteration is predicted to be tolerated by in silico analysis. Since supporting evidence is limited at this time, the clinical significance of this alteration remains unclear.